The following is an entry in ClinVar:

NC_000002.11:g.(?_179599275)_(179603834_?)del

Gene: TTN (titin; minus strand). Cytogenetic location: 2q31.2.
Variant type: Deletion.
Identifiers: ClinVar variation 2424049 (VCV002424049.6).

ClinVar aggregate classification (germline): Uncertain significance (1 of 4 stars; one submission).

Conditions:
Dilated cardiomyopathy 1G (CMD1G). Identifiers: Orphanet 154, MedGen C1858763, MONDO:0011400, OMIM 604145.
Autosomal recessive limb-girdle muscular dystrophy type 2J (LGMDR10). Also called: MUSCULAR DYSTROPHY, LIMB-GIRDLE, AUTOSOMAL RECESSIVE 10; Limb-girdle muscular dystrophy, type 2J. Identifiers: Orphanet 140922, MedGen C1837342, MONDO:0012127, OMIM 608807.

Submission:

Labcorp Genetics (formerly Invitae), Labcorp
Classification: Uncertain significance for Dilated cardiomyopathy 1G; Autosomal recessive limb-girdle muscular dystrophy type 2J. Last evaluated: 2021-11-22. Review status: criteria provided, single submitter. Criteria: Invitae Variant Classification Sherloc (09022015). Collection method: clinical testing. Allele origin: germline.
Comment: In summary, the available evidence is currently insufficient to determine the role of this variant in disease. Therefore, it has been classified as a Variant of Uncertain Significance. This variant is located in the I band of TTN (PMID: 25589632). Truncating variants in this region have been shown to be highly prevalent in the general population and unaffected individuals (PMID: 26701604, 22335739). However, truncating variants in this region have also been reported in individuals affected with autosomal recessive centronuclear myopathy (PMID: 23975875). This variant has not been reported in the literature in individuals affected with TTN-related conditions. This variant results in the deletion of exons 49-51 and part of exon 52 (c.14092+34_15276del) of the TTN gene. It is expected to disrupt RNA splicing and likely results in a truncated or disrupted TTN protein.

Literature cited by the submitters: PubMed 25589632; PubMed 26701604; PubMed 22335739; PubMed 23975875.